The following is an entry in ClinVar:

ClinVar aggregate classification (germline): Likely pathogenic (1 of 4 stars; one submission).

Submission:

Labcorp Genetics (formerly Invitae), Labcorp
Classification: Likely pathogenic. Last evaluated: 2022-09-22. Review status: criteria provided, single submitter. Criteria: Invitae Variant Classification Sherloc (09022015). Collection method: clinical testing. Allele origin: germline.
Comment: This variant disrupts the p.Ala191 amino acid residue in MUT. Other variant(s) that disrupt this residue have been determined to be pathogenic (PMID: 15643616, 16281286, 17113806, 17957493, 20549364, 24059531). This suggests that this residue is clinically significant, and that variants that disrupt this residue are likely to be disease-causing. In summary, the currently available evidence indicates that the variant is pathogenic, but additional data are needed to prove that conclusively. Therefore, this variant has been classified as Likely Pathogenic. Advanced modeling of protein sequence and biophysical properties (such as structural, functional, and spatial information, amino acid conservation, physicochemical variation, residue mobility, and thermodynamic stability) performed at Invitae indicates that this missense variant is expected to disrupt MUT protein function. This variant has not been reported in the literature in individuals affected with MUT-related conditions. This variant is not present in population databases (gnomAD no frequency). This sequence change replaces alanine, which is neutral and non-polar, with serine, which is neutral and polar, at codon 191 of the MUT protein (p.Ala191Ser).

Literature cited by the submitters: PubMed 15643616; PubMed 16281286; PubMed 17113806; PubMed 17957493; PubMed 20549364; PubMed 24059531.

NM_000255.4(MMUT):c.571G>T (p.Ala191Ser)

Gene: MMUT (methylmalonyl-CoA mutase; minus strand). Cytogenetic location: 6p12.3.
Variant type: single nucleotide variant.
Coding change: c.571G>T on transcript NM_000255.4 (MANE Select); coding-DNA position 571, G replaced by T.
Protein change: p.Ala191Ser; replaces alanine 191 with serine.
Molecular consequence: missense variant.
Genome position (GRCh38, 1-based): chr6:49,457,873, C>A on the plus strand (G>T on the coding strand, the complement: MMUT is on the minus strand). VCF-style: chr6-49457873-C-A. GRCh37 (hg19) VCF-style: chr6-49425586-C-A.
Other names: short protein forms A191S.
Identifiers: ClinVar variation 2031868 (VCV002031868.4), dbSNP rs1313120333, ClinGen allele CA364404438.